The following is an entry in ClinVar:

NM_001384732.1(CPLANE1):c.7161C>G (p.Ile2387Met)

Gene: CPLANE1 (ciliogenesis and planar polarity effector complex subunit 1; minus strand). Cytogenetic location: 5p13.2.
Variant type: single nucleotide variant.
Coding change: c.7161C>G on transcript NM_001384732.1 (MANE Select); coding-DNA position 7161, C replaced by G.
Protein change: p.Ile2387Met; replaces isoleucine 2387 with methionine.
Molecular consequence: missense variant.
Genome position (GRCh38, 1-based): chr5:37,168,863, G>C on the plus strand (C>G on the coding strand, the complement: CPLANE1 is on the minus strand). VCF-style: chr5-37168863-G-C. GRCh37 (hg19) VCF-style: chr5-37168965-G-C.
Other names: c.7161C>G, p.Ile2387Met (NM_023073.4); short protein forms I2387M.
Identifiers: ClinVar variation 1468437 (VCV001468437.8), dbSNP rs777957964, ClinGen allele CA359477956.

ClinVar aggregate classification (germline): Uncertain significance (1 of 4 stars; one submission).

Allele frequency attached by ClinVar (database versions not stated): gnomAD 0.00001; gnomAD exomes 0.00001.
gnomAD v4.1: 4 of 1,614,024 alleles (0.00025%); highest among the groups gnomAD compares: East Asian, 0.0089%; no homozygotes.

Submission:

Labcorp Genetics (formerly Invitae), Labcorp
Classification: Uncertain significance. Last evaluated: 2022-03-10. Review status: criteria provided, single submitter. Criteria: Invitae Variant Classification Sherloc (09022015). Collection method: clinical testing. Allele origin: germline.
Comment: In summary, the available evidence is currently insufficient to determine the role of this variant in disease. Therefore, it has been classified as a Variant of Uncertain Significance. Advanced modeling of protein sequence and biophysical properties (such as structural, functional, and spatial information, amino acid conservation, physicochemical variation, residue mobility, and thermodynamic stability) performed at Invitae indicates that this missense variant is not expected to disrupt CPLANE1 protein function. This variant has not been reported in the literature in individuals affected with CPLANE1-related conditions. This variant is present in population databases (no rsID available, gnomAD 0.01%). This sequence change replaces isoleucine, which is neutral and non-polar, with methionine, which is neutral and non-polar, at codon 2387 of the CPLANE1 protein (p.Ile2387Met).